The following is an entry in ClinVar:

NM_000709.4(BCKDHA):c.646+13G>A

Gene: BCKDHA (branched chain keto acid dehydrogenase E1 subunit alpha; plus strand). Cytogenetic location: 19q13.2.
Variant type: single nucleotide variant.
Coding change: c.646+13G>A on transcript NM_000709.4 (MANE Select); 13 bases into the intron after coding-DNA position 646, G replaced by A.
Molecular consequence: intron variant.
Genome position (GRCh38, 1-based): chr19:41,419,309, G>A. VCF-style: chr19-41419309-G-A. GRCh37 (hg19) VCF-style: chr19-41925214-G-A.
Other names: c.646+13G>A (NM_001164783.2).
Identifiers: ClinVar variation 515103 (VCV000515103.8), dbSNP rs201333801, ClinGen allele CA9461210.
Genomic context (GRCh38, chr19:41,419,309, plus strand): 5'-GCCACTTCGTCACTATCTCCTCTCCACTGGCCACGCAGATCCCTCAGGGTGAGGATGCAT[G>A]CCCTGTACCTTGCACATGTGCAGACCAATGTCACACCCCTGTCCAGGCCTCAGCTCTTTT-3'

ClinVar aggregate classification (germline): Benign/Likely benign. Review status: criteria provided, multiple submitters, no conflicts (2 of 4 stars). 2 submissions from 2 submitters: Benign (1); Likely benign (1). Last evaluated 2026-01-22.

Conditions:
Maple syrup urine disease (MSUD). Identifiers: Orphanet 511, MedGen C0024776, MeSH D008375, MONDO:0009563. Disease mechanism: loss of function.

Allele frequency attached by ClinVar (database versions not stated): gnomAD exomes 0.00030; ESP Exome Variant Server 0.00031; TOPMed 0.00035; gnomAD 0.00038.
gnomAD v4.1: 545 of 1,608,924 alleles (0.034%); highest among the groups gnomAD compares: Non-Finnish European, 0.038%; no homozygotes.

Submissions (2):

Labcorp Genetics (formerly Invitae), Labcorp
Classification: Benign for Maple syrup urine disease. Last evaluated: 2026-01-22. Review status: criteria provided, single submitter. Criteria: Invitae Variant Classification Sherloc (09022015). Collection method: clinical testing. Allele origin: germline.

GeneDx
Classification: Likely benign. Last evaluated: 2018-02-08. Review status: criteria provided, single submitter. Criteria: GeneDx Variant Classification (06012015). Collection method: clinical testing. Allele origin: germline. Affected: yes.
Comment: This variant is considered likely benign or benign based on one or more of the following criteria: it is a conservative change, it occurs at a poorly conserved position in the protein, it is predicted to be benign by multiple in silico algorithms, and/or has population frequency not consistent with disease.